The following is an entry in ClinVar:

ClinVar aggregate classification (germline): Conflicting classifications of pathogenicity. Review status: criteria provided, conflicting classifications (1 of 4 stars). 4 submissions from 4 submitters: Uncertain significance (3); Likely benign (1). Last evaluated 2026-01-10.

Conditions:
Colorectal cancer, susceptibility to, 1. Also called: COLORECTAL ADENOMA AND CANCER, SUSCEPTIBILITY TO; COLORECTAL CANCER, SUSCEPTIBILITY TO, ON CHROMOSOME 9. Identifiers: MedGen C1837315, MONDO:0012132, OMIM 608812.

Allele frequency attached by ClinVar (database versions not stated): TOPMed 0.00001; gnomAD 0.00002 and 0.00007; ExAC 0.00006; gnomAD exomes 0.00007; 1000 Genomes Project 30x 0.00078; 1000 Genomes Project 0.00100.
gnomAD v4.1: 46 of 1,614,174 alleles (0.0028%); highest among the groups gnomAD compares: East Asian, 0.029%; no homozygotes.

Submissions (4):

Labcorp Genetics (formerly Invitae), Labcorp
Classification: Uncertain significance. Last evaluated: 2026-01-10. Review status: criteria provided, single submitter. Criteria: Invitae Variant Classification Sherloc (09022015). Collection method: clinical testing. Allele origin: germline.
Comment: This sequence change replaces leucine, which is neutral and non-polar, with serine, which is neutral and polar, at codon 135 of the GALNT12 protein (p.Leu135Ser). This variant is present in population databases (rs370705797, gnomAD 0.05%), and has an allele count higher than expected for a pathogenic variant. This variant has not been reported in the literature in individuals affected with GALNT12-related conditions. ClinVar contains an entry for this variant (Variation ID: 410586). Invitae Evidence Modeling of protein sequence and biophysical properties (such as structural, functional, and spatial information, amino acid conservation, physicochemical variation, residue mobility, and thermodynamic stability) indicates that this missense variant is not expected to disrupt GALNT12 protein function with a negative predictive value of 80%. In summary, the available evidence is currently insufficient to determine the role of this variant in disease. Therefore, it has been classified as a Variant of Uncertain Significance.

Department of Pathology and Laboratory Medicine, Sinai Health System
Classification: Uncertain significance for Colorectal cancer, susceptibility to, 1. Last evaluated: 2024-10-31. Review status: criteria provided, single submitter. Criteria: ACMG Guidelines, 2015. Collection method: clinical testing. Allele origin: germline.

Baylor Genetics
Classification: Uncertain significance for Colorectal cancer, susceptibility to, 1. Last evaluated: 2024-03-27. Review status: criteria provided, single submitter. Criteria: ACMG Guidelines, 2015. Collection method: clinical testing. Allele origin: unknown.

Ambry Genetics
Classification: Likely benign. Last evaluated: 2020-08-13. Review status: criteria provided, single submitter. Criteria: Ambry Variant Classification Scheme 2023. Collection method: clinical testing. Allele origin: germline.

NM_024642.5(GALNT12):c.404T>C (p.Leu135Ser)

Gene: GALNT12 (polypeptide N-acetylgalactosaminyltransferase 12; plus strand). Cytogenetic location: 9q22.33.
Variant type: single nucleotide variant.
Coding change: c.404T>C on transcript NM_024642.5 (MANE Select); coding-DNA position 404, T replaced by C.
Protein change: p.Leu135Ser; replaces leucine 135 with serine.
Molecular consequence: missense variant.
Genome position (GRCh38, 1-based): chr9:98,823,288, T>C. VCF-style: chr9-98823288-T-C. GRCh37 (hg19) VCF-style: chr9-101585570-T-C.
Other names: short protein forms L135S.
Identifiers: ClinVar variation 410586 (VCV000410586.16), dbSNP rs370705797, ClinGen allele CA5153937.